The following is an entry in ClinVar:

ClinVar aggregate classification (germline): Uncertain significance. Review status: criteria provided, multiple submitters, no conflicts (2 of 4 stars). 2 submissions from 2 submitters: Uncertain significance (2). Last evaluated 2024-06-17.

Conditions:
Inborn genetic diseases. Identifiers: MedGen C0950123, MeSH D030342.

Allele frequency attached by ClinVar (database versions not stated): gnomAD 0.00016; TOPMed 0.00016; ESP Exome Variant Server 0.00008.
gnomAD v4.1: 200 of 1,612,568 alleles (0.012%); highest among the groups gnomAD compares: African/African-American, 0.056%; no homozygotes.

Submissions (2):

Ambry Genetics
Classification: Uncertain significance for Inborn genetic diseases. Last evaluated: 2024-06-17. Review status: criteria provided, single submitter. Criteria: Ambry Variant Classification Scheme 2023. Collection method: clinical testing. Allele origin: germline.

GeneDx
Classification: Uncertain significance. Last evaluated: 2022-11-04. Review status: criteria provided, single submitter. Criteria: GeneDx Variant Classification Process June 2021. Collection method: clinical testing. Allele origin: germline. Affected: yes.
Comment: In silico analysis supports that this missense variant does not alter protein structure/function; Has not been previously published as pathogenic or benign to our knowledge; This variant is associated with the following publications: (PMID: 28539123)

NM_001128159.3(VPS53):c.997C>T (p.Arg333Cys)

Gene: VPS53 (VPS53 subunit of GARP complex; minus strand). Cytogenetic location: 17p13.3.
Variant type: single nucleotide variant.
Coding change: c.997C>T on transcript NM_001128159.3 (MANE Select); coding-DNA position 997, C replaced by T.
Protein change: p.Arg333Cys; replaces arginine 333 with cysteine.
Molecular consequence: missense variant.
Genome position (GRCh38, 1-based): chr17:623,652, G>A on the plus strand (C>T on the coding strand, the complement: VPS53 is on the minus strand). VCF-style: chr17-623652-G-A. GRCh37 (hg19) VCF-style: chr17-526892-G-A.
Other names: c.997C>T, p.Arg333Cys (NM_001366253.2); c.403C>T, p.Arg135Cys (NM_001366254.2); c.910C>T, p.Arg304Cys (NM_018289.4); short protein forms R333C, R135C, R304C.
Identifiers: ClinVar variation 426900 (VCV000426900.5), dbSNP rs145041715, ClinGen allele CA8261581.